The following is an entry in ClinVar:

NM_000742.4(CHRNA2):c.449+317A>G

Gene: CHRNA2 (cholinergic receptor nicotinic alpha 2 subunit; minus strand). Cytogenetic location: 8p21.2.
Variant type: single nucleotide variant.
Coding change: c.449+317A>G on transcript NM_000742.4 (MANE Select); 317 bases into the intron after coding-DNA position 449, A replaced by G.
Molecular consequence: intron variant.
Genome position (GRCh38, 1-based): chr8:27,466,912, T>C on the plus strand (A>G on the coding strand, the complement: CHRNA2 is on the minus strand). VCF-style: chr8-27466912-T-C. GRCh37 (hg19) VCF-style: chr8-27324429-T-C.
Other names: c.-24+317A>G (NM_001347705.2, NM_001347706.2); c.404+317A>G (NM_001282455.2); c.-13+317A>G (NM_001347708.2); c.-10+317A>G (NM_001347707.2).
Identifiers: ClinVar variation 668814 (VCV000668814.1), dbSNP rs3824103, ClinGen allele CA12859630.
Genomic context (GRCh38, chr8:27,466,912, plus strand): 5'-TTGAAGGTGCTGGCCCGATGCTGCCTGCCTGTCTGAACAACACTGCCACCCCTCACAACT[T>C]CAACCCCAAGGTATTGTTTTTTGAGCCTGCACCAAATTTTTCAAAGAATACTCAGTATGG-3'

ClinVar aggregate classification (germline): Benign (1 of 4 stars; one submission).

Allele frequency attached by ClinVar (database versions not stated): gnomAD 0.22256 and 0.22664; TOPMed 0.24850; 1000 Genomes Project 0.32188; 1000 Genomes Project 30x 0.32948.
gnomAD v4.1: 33,570 of 152,132 alleles (22%); highest among the groups gnomAD compares: African/African-American, 60%; 8,507 homozygotes.

Submission:

GeneDx
Classification: Benign. Last evaluated: 2018-06-19. Review status: criteria provided, single submitter. Criteria: GeneDx Variant Classification (06012015). Collection method: clinical testing. Allele origin: germline. Affected: yes.
Comment: This variant is considered likely benign or benign based on one or more of the following criteria: it is a conservative change, it occurs at a poorly conserved position in the protein, it is predicted to be benign by multiple in silico algorithms, and/or has population frequency not consistent with disease.